The following is an entry in ClinVar:

NM_052947.4(ALPK2):c.4646C>T (p.Thr1549Ile)

Genes: ALPK2 (alpha kinase 2; minus strand), LOC126862764 (BRD4-independent group 4 enhancer GRCh37_chr18:56202574-56203773; plus strand). Cytogenetic location: 18q21.31.
Variant type: single nucleotide variant.
Coding change: c.4646C>T on transcript NM_052947.4 (MANE Select); coding-DNA position 4646, C replaced by T.
Protein change: p.Thr1549Ile; replaces threonine 1549 with isoleucine.
Molecular consequence: missense variant.
Genome position (GRCh38, 1-based): chr18:58,535,541, G>A on the plus strand (C>T on the coding strand, the complement: ALPK2 is on the minus strand). VCF-style: chr18-58535541-G-A. GRCh37 (hg19) VCF-style: chr18-56202773-G-A.
Other names: short protein forms T1549I.
Identifiers: ClinVar variation 1742155 (VCV001742155.2), dbSNP rs2518874346, ClinGen allele CA402560657.

ClinVar aggregate classification (germline): Uncertain significance (1 of 4 stars; one submission).

Allele frequency attached by ClinVar (database versions not stated): gnomAD exomes 0.00002.
gnomAD v4.1: 28 of 1,614,180 alleles (0.0017%); highest among the groups gnomAD compares: Non-Finnish European, 0.0024%; no homozygotes.

Submission:

Ambry Genetics
Classification: Uncertain significance. Last evaluated: 2022-07-01. Review status: criteria provided, single submitter. Criteria: Ambry Variant Classification Scheme 2023. Collection method: clinical testing. Allele origin: germline.
Comment: The p.T1549I variant (also known as c.4646C>T), located in coding exon 4 of the ALPK2 gene, results from a C to T substitution at nucleotide position 4646. The threonine at codon 1549 is replaced by isoleucine, an amino acid with similar properties. This amino acid position is conserved. In addition, this alteration is predicted to be tolerated by in silico analysis. Since supporting evidence is limited at this time, the clinical significance of this alteration remains unclear.